The following is an entry in ClinVar:

ClinVar aggregate classification (germline): Uncertain significance. Review status: criteria provided, multiple submitters, no conflicts (2 of 4 stars). 2 submissions from 2 submitters: Uncertain significance (2). Last evaluated 2020-03-15.

Conditions:
Dilated cardiomyopathy 1G (CMD1G). Identifiers: Orphanet 154, MedGen C1858763, MONDO:0011400, OMIM 604145.
Autosomal recessive limb-girdle muscular dystrophy type 2J (LGMDR10). Also called: MUSCULAR DYSTROPHY, LIMB-GIRDLE, AUTOSOMAL RECESSIVE 10; Limb-girdle muscular dystrophy, type 2J. Identifiers: Orphanet 140922, MedGen C1837342, MONDO:0012127, OMIM 608807.

Allele frequency attached by ClinVar (database versions not stated): gnomAD exomes below 0.00001; gnomAD 0.00001; TOPMed 0.00001.
gnomAD v4.1: 8 of 1,613,700 alleles (0.0005%); highest among the groups gnomAD compares: Admixed American, 0.0017%; no homozygotes.

Submissions (2):

Labcorp Genetics (formerly Invitae), Labcorp
Classification: Uncertain significance for Dilated cardiomyopathy 1G; Autosomal recessive limb-girdle muscular dystrophy type 2J. Last evaluated: 2020-03-15. Review status: criteria provided, single submitter. Criteria: Invitae Variant Classification Sherloc (09022015). Collection method: clinical testing. Allele origin: germline.
Comment: This sequence change replaces isoleucine with threonine at codon 32637 of the TTN protein (p.Ile32637Thr). There is a moderate physicochemical difference between isoleucine and threonine. This variant is not present in population databases (ExAC no frequency). This variant has not been reported in the literature in individuals with TTN-related conditions. ClinVar contains an entry for this variant (Variation ID: 203033). This variant is located in the A band of TTN (PMID: 25589632). Variants in this region may be relevant for cardiac or neuromuscular disorders (PMID: 25589632, 23975875). Algorithms developed to predict the effect of missense changes on protein structure and function are unavailable for the TTN gene. In summary, the available evidence is currently insufficient to determine the role of this variant in disease. Therefore, it has been classified as a Variant of Uncertain Significance.

GeneDx
Classification: Uncertain significance. Last evaluated: 2014-04-07. Review status: criteria provided, single submitter. Criteria: GeneDx Variant Classification (06012015). Collection method: clinical testing. Allele origin: germline. Affected: yes.
Comment: Missense variants in the TTN gene are considered 'unclassified' if they are not previously reported in the literature and do not have >1% frequency in the population to be considered a polymorphism. Research indicates that truncating mutations in the TTN gene are expected to account for approximately 25% of familial and 18% of sporadic idiopathic DCM; however, truncating variants in the TTN gene have been reported in approximately 3% of reported control alleles. There has been little investigation into non-truncating variants. (Herman D et al. Truncations of titin causing dilated cardiomyopathy. N Eng J Med 366:619-628, 2012) The variant is found in CARDIOMYOPATHY panel(s).

Literature cited by the submitters: PubMed 25589632 (cited by Labcorp Genetics (formerly Invitae), Labcorp); PubMed 23975875 (cited by Labcorp Genetics (formerly Invitae), Labcorp).

NM_001267550.2(TTN):c.97910T>C (p.Ile32637Thr)

Genes: TTN (titin; minus strand), TTN-AS1 (TTN antisense RNA 1; plus strand). Cytogenetic location: 2q31.2.
Variant type: single nucleotide variant.
Coding change: c.97910T>C on transcript NM_001267550.2 (MANE Select); coding-DNA position 97910, T replaced by C.
Protein change: p.Ile32637Thr; replaces isoleucine 32637 with threonine.
Molecular consequence: missense variant.
Genome position (GRCh38, 1-based): chr2:178,540,256, A>G on the plus strand (T>C on the coding strand, the complement: TTN is on the minus strand). VCF-style: chr2-178540256-A-G. GRCh37 (hg19) VCF-style: chr2-179404983-A-G.
Other names: p.I30996T:ATT>ACT; c.92987T>C, p.Ile30996Thr (NM_001256850.1); c.70715T>C, p.Ile23572Thr (NM_003319.4); c.90206T>C, p.Ile30069Thr (NM_133378.4); c.71090T>C, p.Ile23697Thr (NM_133432.3); c.71291T>C, p.Ile23764Thr (NM_133437.4); short protein forms I30996T, I32637T, I23764T, I30069T, I23572T, I23697T.
Identifiers: ClinVar variation 203033 (VCV000203033.4), dbSNP rs794729547, ClinGen allele CA311037.